The following is an entry in ClinVar:

NM_007294.4(BRCA1):c.5564T>C (p.Ile1855Thr)

Gene: BRCA1 (BRCA1 DNA repair associated; minus strand). Cytogenetic location: 17q21.31.
Variant type: single nucleotide variant.
Coding change: c.5564T>C on transcript NM_007294.4 (MANE Select); coding-DNA position 5564, T replaced by C.
Protein change: p.Ile1855Thr; replaces isoleucine 1855 with threonine.
Molecular consequence: missense variant. On other transcripts: 3 prime UTR variant (1), non-coding transcript variant (1).
Genome position (GRCh38, 1-based): chr17:43,045,706, A>G on the plus strand (T>C on the coding strand, the complement: BRCA1 is on the minus strand). VCF-style: chr17-43045706-A-G. GRCh37 (hg19) VCF-style: chr17-41197723-A-G.
Other names: c.5351T>C, p.Ile1784Thr (NM_001407571.1, NM_001407894.1, NM_001407895.1 and 12 more transcripts); c.5630T>C, p.Ile1877Thr (NM_001407581.1, NM_001407582.1); c.5627T>C, p.Ile1876Thr (NM_001407583.1, NM_001407585.1, NM_001407587.1 and 1 more transcripts); c.5624T>C, p.Ile1875Thr (NM_001407590.1, NM_001407591.1); c.5564T>C, p.Ile1855Thr (NM_001407593.1, NM_001407594.1, NM_001407596.1 and 5 more transcripts); c.5561T>C, p.Ile1854Thr (NM_001407610.1, NM_001407611.1, NM_001407612.1 and 14 more transcripts); c.5558T>C, p.Ile1853Thr (NM_001407627.1, NM_001407628.1, NM_001407629.1 and 13 more transcripts); c.5555T>C, p.Ile1852Thr (NM_001407645.1, NM_001407644.1); and 74 more; short protein forms I1855T, I1808T, I751T, I1876T, I1686T, I1743T, I1744T, I1784T.
Identifiers: ClinVar variation 482917 (VCV000482917.18), dbSNP rs900082291, ClinGen allele CA10590196.

ClinVar aggregate classification (germline): Conflicting classifications of pathogenicity. Review status: criteria provided, conflicting classifications (1 of 4 stars). 3 submissions from 3 submitters: Uncertain significance (2); Likely benign (1). Last evaluated 2024-06-11.

Conditions:
Hereditary breast ovarian cancer syndrome. Also called: Breast and ovarian cancer; Hereditary breast and/or ovarian cancer syndrome; BRCA1- and BRCA2-Associated Hereditary Breast and Ovarian Cancer; Hereditary breast and ovarian cancer syndrome; Hereditary breast and ovarian cancer syndrome (HBOC); Hereditary breast and ovarian cancer. Identifiers: Orphanet 145, MedGen C0677776, MeSH D061325, MONDO:0003582. Disease mechanism: loss of function.
Breast-ovarian cancer, familial, susceptibility to, 1 (BROVCA1). Also called: BRCA1 Hereditary Breast and Ovarian Cancer; OVARIAN CANCER, SUSCEPTIBILITY TO. Identifiers: Orphanet 145, MedGen C2676676, MONDO:0011450, OMIM 604370. Disease mechanism: loss of function.
Hereditary cancer-predisposing syndrome. Also called: Tumor predisposition; Hereditary Cancer Syndrome; Hereditary neoplastic syndrome; Neoplastic Syndromes, Hereditary. Identifiers: Orphanet 140162, MedGen C0027672, MeSH D009386, MONDO:0015356.

Submissions (4):

3billion
Classification: Uncertain significance for Breast-ovarian cancer, familial, susceptibility to, 1. Last evaluated: 2024-06-11. Review status: criteria provided, single submitter. Criteria: ACMG Guidelines, 2015. Collection method: clinical testing. Allele origin: germline. Affected: yes.
Comment: The variant is not observed in the gnomAD v4.0.0 dataset. Predicted Consequence/Location: Missense variant In silico tool predictions suggest damaging effect of the variant on gene or gene product [REVEL: 0.65 (>=0.6, sensitivity 0.68 and specificity 0.92)]. The variant has been reported as benign without evidence for the classification (ClinVar ID: VCV000482917). Therefore, this variant is classified as VUS according to the recommendation of ACMG/AMP guideline.

Labcorp Genetics (formerly Invitae), Labcorp
Classification: Uncertain significance for Hereditary breast ovarian cancer syndrome. Last evaluated: 2023-07-10. Review status: criteria provided, single submitter. Criteria: Invitae Variant Classification Sherloc (09022015). Collection method: clinical testing. Allele origin: germline.
Comment: This sequence change replaces isoleucine, which is neutral and non-polar, with threonine, which is neutral and polar, at codon 1855 of the BRCA1 protein (p.Ile1855Thr). This variant is not present in population databases (gnomAD no frequency). This variant has not been reported in the literature in individuals affected with BRCA1-related conditions. ClinVar contains an entry for this variant (Variation ID: 482917). Advanced modeling performed at Invitae incorporating data from internal and/or published experimental studies (PMID: 30209399) indicates that this missense variant is not expected to disrupt BRCA1 function. Experimental studies have shown that this missense change does not substantially affect BRCA1 function (PMID: 30209399, 31907386). In summary, the available evidence is currently insufficient to determine the role of this variant in disease. Therefore, it has been classified as a Variant of Uncertain Significance.

Ambry Genetics
Classification: Likely benign for Hereditary cancer-predisposing syndrome. Last evaluated: 2021-05-20. Review status: criteria provided, single submitter. Criteria: Ambry Variant Classification Scheme 2023. Collection method: clinical testing. Allele origin: germline.

Brotman Baty Institute, University of Washington
No classification provided (evidence only). Condition: Breast-ovarian cancer, familial 1. Review status: no classification provided. Collection method: in vitro. Allele origin: not applicable. Functional consequence: functionally_normal. Not counted in ClinVar's aggregate classification.
ClinVar note: "not provided" was previously submitted as the classification for the variant. However, the classification appeared to be based only on an observation of functional data so it was converted to no classification on 2025-07-30.

Literature cited by the submitters: PubMed 30209399 (cited by Labcorp Genetics (formerly Invitae), Labcorp and Ambry Genetics); PubMed 31907386 (cited by Labcorp Genetics (formerly Invitae), Labcorp and Ambry Genetics); PubMed 10811118 (cited by Ambry Genetics); PubMed 30765603 (cited by Ambry Genetics).